The following is an entry in ClinVar:

NM_000548.5(TSC2):c.81T>A (p.Asn27Lys)

Gene: TSC2 (TSC complex subunit 2; plus strand). Cytogenetic location: 16p13.3.
Variant type: single nucleotide variant.
Coding change: c.81T>A on transcript NM_000548.5 (MANE Select); coding-DNA position 81, T replaced by A.
Protein change: p.Asn27Lys; replaces asparagine 27 with lysine.
Molecular consequence: missense variant. On other transcripts: non-coding transcript variant (5), intron variant (6), 5 prime UTR variant (19).
Genome position (GRCh38, 1-based): chr16:2,048,696, T>A. VCF-style: chr16-2048696-T-A. GRCh37 (hg19) VCF-style: chr16-2098697-T-A.
Other names: c.-10+631T>A (NM_001406677.1, NM_001406675.1, NM_001406676.1 and 2 more transcripts); c.81T>A, p.Asn27Lys (NM_001077183.3, NM_001114382.3, NM_001318827.2 and 13 more transcripts); c.-146T>A (NM_001318831.2, NM_001406682.1, NM_001406684.1 and 2 more transcripts); c.114T>A, p.Asn38Lys (NM_001318832.2); c.-736T>A (NM_001406680.1, NM_001406683.1, NM_001406687.1); c.-365T>A (NM_001406681.1); c.-1351T>A (NM_001406689.1, NM_001406690.1, NM_001406691.1 and 2 more transcripts); c.-1657T>A (NM_001406693.1); and 4 more; short protein forms N27K, N38K.
Identifiers: ClinVar variation 2564651 (VCV002564651.4), dbSNP rs2548350127, ClinGen allele CA394301307.

ClinVar aggregate classification (germline): Conflicting classifications of pathogenicity. Review status: criteria provided, conflicting classifications (1 of 4 stars). 2 submissions from 2 submitters: Uncertain significance (1); Likely benign (1). Last evaluated 2025-10-22.

Conditions:
Tuberous sclerosis syndrome (TSC). Also called: Tuberous sclerosis; Tuberous Sclerosis Complex. Identifiers: Orphanet 805, MedGen C0041341, MONDO:0001734.
Hereditary cancer-predisposing syndrome. Also called: Neoplastic Syndromes, Hereditary; Hereditary Cancer Syndrome; Tumor predisposition; Hereditary neoplastic syndrome. Identifiers: Orphanet 140162, MedGen C0027672, MeSH D009386, MONDO:0015356.

Submissions (2):

Ambry Genetics
Classification: Likely benign for Hereditary cancer-predisposing syndrome. Last evaluated: 2025-10-22. Review status: criteria provided, single submitter. Criteria: Ambry Variant Classification Scheme 2023. Collection method: clinical testing. Allele origin: germline.

All of Us Research Program, National Institutes of Health
Classification: Uncertain significance for Tuberous sclerosis syndrome. Last evaluated: 2023-06-26. Review status: criteria provided, single submitter. Criteria: ACMG Guidelines, 2015. Collection method: clinical testing. Allele origin: germline. Inheritance: Autosomal dominant inheritance. Observed: 1 variant allele, 1 heterozygote.
Comment: This missense variant replaces asparagine with lysine at codon 27 of the TSC2 protein. Computational prediction suggests that this variant may not impact protein structure and function (internally defined REVEL score threshold <= 0.5, PMID: 27666373). To our knowledge, functional studies have not been reported for this variant. This variant has not been reported in individuals affected with TSC2-related disorders in the literature. This variant has not been identified in the general population by the Genome Aggregation Database (gnomAD). The available evidence is insufficient to determine the role of this variant in disease conclusively. Therefore, this variant is classified as a Variant of Uncertain Significance.

This study involves interpretation of variants in research participants for the purpose of population health screening. Participant phenotype was not available at the time of variant classification. Additional details can be found in publication PMID: 35346344, PMCID: PMC8962531